The following is an entry in ClinVar:

NM_005751.5(AKAP9):c.8665C>T (p.Leu2889=)

Gene: AKAP9 (A-kinase anchoring protein 9; plus strand). Cytogenetic location: 7q21.2.
Variant type: single nucleotide variant.
Coding change: c.8665C>T on transcript NM_005751.5 (MANE Select); coding-DNA position 8665, C replaced by T.
Protein change: p.Leu2889=; no amino-acid change (leucine 2889 retained).
Molecular consequence: synonymous variant.
Genome position (GRCh38, 1-based): chr7:92,084,658, C>T. VCF-style: chr7-92084658-C-T. GRCh37 (hg19) VCF-style: chr7-91713972-C-T.
Other names: p.L2889L:CTA>TTA; c.3310C>T, p.Leu1104= (NM_001379277.1); c.8641C>T, p.Leu2881= (NM_147185.3).
Identifiers: ClinVar variation 136341 (VCV000136341.31), dbSNP rs10228334, ClinGen allele CA163154.

ClinVar aggregate classification (germline): Benign/Likely benign. Review status: criteria provided, multiple submitters, no conflicts (2 of 4 stars). 11 submissions from 11 submitters: Benign (8); Likely benign (1). 2 of the submissions do not count toward it. Last evaluated 2026-02-04.

Conditions:
Cardiovascular phenotype. Identifiers: MedGen CN230736.
Long QT syndrome (LQTS). Identifiers: MedGen C0023976, MeSH D008133, MONDO:0002442. Disease mechanism: loss of function. Inheritance: Various modes of inheritance.
Long QT syndrome 11 (LQT11). Identifiers: Orphanet 101016, Orphanet 768, MedGen C2678483, MONDO:0012738, OMIM 611820.

Allele frequency attached by ClinVar (database versions not stated): gnomAD 0.42044 and 0.41611; ESP Exome Variant Server 0.44096; 1000 Genomes Project 0.37380; 1000 Genomes Project 30x 0.37711; gnomAD exomes 0.37767 and 0.38515; ExAC 0.38317; TOPMed 0.41720.
gnomAD v4.1: 622,345 of 1,603,034 alleles (39%); highest among the groups gnomAD compares: African/African-American, 52%; 123,832 homozygotes.

Submissions (11):

Labcorp Genetics (formerly Invitae), Labcorp
Classification: Benign for Long QT syndrome. Last evaluated: 2026-02-04. Review status: criteria provided, single submitter. Criteria: Invitae Variant Classification Sherloc (09022015). Collection method: clinical testing. Allele origin: germline.

Blueprint Genetics
Classification: Benign. Last evaluated: 2024-11-27. Review status: criteria provided, single submitter. Criteria: ACMG Guidelines, 2015. Collection method: clinical testing. Allele origin: germline.

Genome-Nilou Lab
Classification: Benign for Long QT syndrome 11. Last evaluated: 2021-12-05. Review status: criteria provided, single submitter. Criteria: ACMG Guidelines, 2015. Collection method: clinical testing. Allele origin: germline. Affected: no.

Women's Health and Genetics/Laboratory Corporation of America, LabCorp
Classification: Benign. Last evaluated: 2019-08-09. Review status: criteria provided, single submitter. Criteria: LabCorp Variant Classification Summary - May 2015. Collection method: clinical testing. Allele origin: germline.

Ambry Genetics
Classification: Benign for Cardiovascular phenotype. Last evaluated: 2015-06-18. Review status: criteria provided, single submitter. Criteria: Ambry Variant Classification Scheme 2023. Collection method: clinical testing. Allele origin: germline.

Eurofins Ntd Llc (ga)
Classification: Benign. Last evaluated: 2015-06-08. Review status: criteria provided, single submitter. Criteria: EGL Classification Definitions 2015. Collection method: clinical testing. Allele origin: germline. Observed: 1 variant allele, 1 heterozygote.

GeneDx
Classification: Benign. Last evaluated: 2011-07-10. Review status: criteria provided, single submitter. Criteria: GeneDx Variant Classification (06012015). Collection method: clinical testing. Allele origin: germline. Affected: yes.
Comment: This variant is considered likely benign or benign based on one or more of the following criteria: it is a conservative change, it occurs at a poorly conserved position in the protein, it is predicted to be benign by multiple in silico algorithms, and/or has population frequency not consistent with disease.

Breakthrough Genomics
Classification: Likely benign. Review status: criteria provided, single submitter. Criteria: ACMG Guidelines, 2015. Collection method: not provided. Allele origin: germline. Inheritance: Autosomal dominant inheritance. Affected: yes.

PreventionGenetics, part of Exact Sciences
Classification: Benign. Review status: criteria provided, single submitter. Criteria: ACMG Guidelines, 2015. Collection method: clinical testing. Allele origin: germline.

Clinical Genetics, Academic Medical Center
Classification: Benign. Review status: no assertion criteria provided. Collection method: clinical testing. Allele origin: germline. Affected: yes. Study: VKGL Data-share Consensus. Not counted in ClinVar's aggregate classification.

Diagnostic Laboratory, Department of Genetics, University Medical Center Groningen
Classification: Benign for Long QT syndrome 11. Review status: no assertion criteria provided. Collection method: clinical testing. Allele origin: germline. Affected: yes. Study: VKGL Data-share Consensus. Not counted in ClinVar's aggregate classification.